The following is an entry in ClinVar:

NM_003322.6(TULP1):c.1102G>T (p.Gly368Trp)

Gene: TULP1 (TUB like protein 1; minus strand). Cytogenetic location: 6p21.31.
Variant type: single nucleotide variant.
Coding change: c.1102G>T on transcript NM_003322.6 (MANE Select); coding-DNA position 1102, G replaced by T.
Protein change: p.Gly368Trp; replaces glycine 368 with tryptophan.
Molecular consequence: missense variant.
Genome position (GRCh38, 1-based): chr6:35,505,751, C>A on the plus strand (G>T on the coding strand, the complement: TULP1 is on the minus strand). VCF-style: chr6-35505751-C-A. GRCh37 (hg19) VCF-style: chr6-35473528-C-A.
Other names: c.943G>T, p.Gly315Trp (NM_001289395.2); short protein forms G368W, G315W.
Identifiers: ClinVar variation 30262 (VCV000030262.17), dbSNP rs387906837, ClinGen allele CA259775.

ClinVar aggregate classification (germline): Pathogenic/Likely pathogenic. Review status: criteria provided, multiple submitters, no conflicts (2 of 4 stars). 7 submissions from 7 submitters: Pathogenic (2); Likely pathogenic (3). 2 of the submissions do not count toward it. Last evaluated 2024-04-16.

Conditions:
TULP1-related disorder. Also called: TULP1-related disorders; TULP1-related condition.
Retinal dystrophy. Also called: Inherited retinal dystrophy. Identifiers: Orphanet 71862, MedGen C0854723, MeSH D058499, MONDO:0019118, HP:0000556.
Leber congenital amaurosis 15 (LCA15). Identifiers: Orphanet 65, MedGen C3151206, MONDO:0013457, OMIM 613843.
Retinitis pigmentosa 14 (RP14). Also called: RETINITIS PIGMENTOSA, JUVENILE, TULP1-RELATED. Identifiers: Orphanet 791, MedGen C1838603, MONDO:0010827, OMIM 600132.
Leber congenital amaurosis (LCA). Also called: Leber's amaurosis. Identifiers: Orphanet 65, MedGen C0339527, MeSH D057130, MONDO:0018998.

Submissions (7):

Fulgent Genetics
Classification: Likely pathogenic for Retinitis pigmentosa 14; Leber congenital amaurosis 15. Last evaluated: 2024-04-16. Review status: criteria provided, single submitter. Criteria: ACMG Guidelines, 2015. Collection method: clinical testing. Allele origin: germline.

Women's Health and Genetics/Laboratory Corporation of America, LabCorp
Classification: Pathogenic for Leber congenital amaurosis. Last evaluated: 2024-04-11. Review status: criteria provided, single submitter. Criteria: LabCorp Variant Classification Summary - May 2015. Collection method: clinical testing. Allele origin: germline.
Comment: Variant summary: TULP1 c.1102G>T (p.Gly368Trp) results in a non-conservative amino acid change located in the Tubby, C-terminal domain (IPR000007) of the encoded protein sequence. Five of five in-silico tools predict a damaging effect of the variant on protein function. The variant allele was found at a frequency of 4e-06 in 251300 control chromosomes (gnomAD). c.1102G>T has been reported in the literature in multiple individuals affected with Leber Congenital Amaurosis (Hanein_2004, Abbasi_2008, Wang_2013, Jacobson_2014, Karali_2022). These data indicate that the variant is very likely to be associated with disease. To our knowledge, no experimental evidence demonstrating an impact on protein function has been reported. The following publications have been ascertained in the context of this evaluation (PMID: 18432314, 15024725, 25074776, 36460718, 23847139). ClinVar contains an entry for this variant (Variation ID: 30262). Based on the evidence outlined above, the variant was classified as pathogenic.

Labcorp Genetics (formerly Invitae), Labcorp
Classification: Pathogenic. Last evaluated: 2023-03-12. Review status: criteria provided, single submitter. Criteria: Invitae Variant Classification Sherloc (09022015). Collection method: clinical testing. Allele origin: germline.
Comment: ClinVar contains an entry for this variant (Variation ID: 30262). This sequence change replaces glycine, which is neutral and non-polar, with tryptophan, which is neutral and slightly polar, at codon 368 of the TULP1 protein (p.Gly368Trp). This variant is present in population databases (rs387906837, gnomAD 0.0009%). This missense change has been observed in individual(s) with Leber congenital amaurosis and/or retinitis pigmentosa (PMID: 15024725, 25074776; Invitae). In at least one individual the data is consistent with being in trans (on the opposite chromosome) from a pathogenic variant. Advanced modeling of protein sequence and biophysical properties (such as structural, functional, and spatial information, amino acid conservation, physicochemical variation, residue mobility, and thermodynamic stability) performed at Invitae indicates that this missense variant is expected to disrupt TULP1 protein function. This variant disrupts the p.Gly368 amino acid residue in TULP1. Other variant(s) that disrupt this residue have been observed in individuals with TULP1-related conditions (PMID: 31736247), which suggests that this may be a clinically significant amino acid residue. For these reasons, this variant has been classified as Pathogenic.

Institute of Human Genetics, Univ. Regensburg, Univ. Regensburg
Classification: Likely pathogenic for Retinal dystrophy. Last evaluated: 2023-01-01. Review status: criteria provided, single submitter. Criteria: ACMG Guidelines, 2015. Collection method: clinical testing. Allele origin: germline. Affected: yes.

Blueprint Genetics
Classification: Likely pathogenic for TULP1-related disorders. Last evaluated: 2019-09-27. Review status: criteria provided, single submitter. Criteria: ACMG Guidelines, 2015. Collection method: clinical testing. Allele origin: germline. Affected: yes. Observed: 1 variant allele.

OMIM
Classification: Pathogenic for LEBER CONGENITAL AMAUROSIS 15. Last evaluated: 2004-04-01. Review status: no assertion criteria provided. Collection method: literature only. Allele origin: germline. Not counted in ClinVar's aggregate classification.

Laboratory of Genetics in Ophthalmology, Institut Imagine
Classification: Pathogenic for Leber congenital amaurosis 15. Review status: no assertion criteria provided. Collection method: research. Allele origin: inherited. Affected: yes. Observed: 1 variant allele. Not counted in ClinVar's aggregate classification.

Literature cited by the submitters: PubMed 25074776 (cited by Women's Health and Genetics/Laboratory Corporation of America, LabCorp and Labcorp Genetics (formerly Invitae), Labcorp); PubMed 23847139 (cited by Women's Health and Genetics/Laboratory Corporation of America, LabCorp); PubMed 36460718 (cited by Women's Health and Genetics/Laboratory Corporation of America, LabCorp and Institute of Human Genetics, Univ. Regensburg, Univ. Regensburg); PubMed 15024725 (cited by 5 submitters); PubMed 18432314 (cited by Women's Health and Genetics/Laboratory Corporation of America, LabCorp); PubMed 31736247 (cited by Labcorp Genetics (formerly Invitae), Labcorp); PubMed 31589614 (cited by Institute of Human Genetics, Univ. Regensburg, Univ. Regensburg); PubMed 31964843 (cited by Institute of Human Genetics, Univ. Regensburg, Univ. Regensburg).